The following is an entry in ClinVar:

ClinVar aggregate classification (germline): Conflicting classifications of pathogenicity. Review status: criteria provided, conflicting classifications (1 of 4 stars). 3 submissions from 3 submitters: Uncertain significance (2); Likely benign (1). Last evaluated 2025-12-09.

Conditions:
Inborn genetic diseases. Identifiers: MedGen C0950123, MeSH D030342.
Charcot-Marie-Tooth disease type 2. Also called: Charcot-Marie-Tooth type 2. Identifiers: Orphanet 64746, MedGen C0270914, MONDO:0018993.

Allele frequency attached by ClinVar (database versions not stated): TOPMed 0.00006; gnomAD 0.00003.

Submissions (3):

Ambry Genetics
Classification: Uncertain significance for Inborn genetic diseases. Last evaluated: 2025-12-09. Review status: criteria provided, single submitter. Criteria: Ambry Variant Classification Scheme 2023. Collection method: clinical testing. Allele origin: germline.

Labcorp Genetics (formerly Invitae), Labcorp
Classification: Likely benign for Charcot-Marie-Tooth disease type 2. Last evaluated: 2024-08-11. Review status: criteria provided, single submitter. Criteria: Invitae Variant Classification Sherloc (09022015). Collection method: clinical testing. Allele origin: germline.

GeneDx
Classification: Uncertain significance. Last evaluated: 2016-07-18. Review status: criteria provided, single submitter. Criteria: GeneDx Variant Classification (06012015). Collection method: clinical testing. Allele origin: germline. Affected: yes.
Comment: The V354I variant in the AARS gene has not been reported previously as a pathogenic variant, nor as a benignvariant, to our knowledge. The V354I variant was not observed in approximately 6500 individuals of European andAfrican American ancestry in the NHLBI Exome Sequencing Project, indicating it is not a common benign variant inthese populations. The V354I variant is a conservative amino acid substitution, which is not likely to impactsecondary protein structure as these residues share similar properties. This substitution occurs at a position that isconserved across species. In silico analysis is inconsistent in its predictions as to whether or not the variant isdamaging to the protein structure/function. Therefore, we interpret V354I as a variant of uncertain significance

NM_001605.3(AARS1):c.1060G>A (p.Val354Ile)

Gene: AARS1 (alanyl-tRNA synthetase 1; minus strand). Cytogenetic location: 16q22.1.
Variant type: single nucleotide variant.
Coding change: c.1060G>A on transcript NM_001605.3 (MANE Select); coding-DNA position 1060, G replaced by A.
Protein change: p.Val354Ile; replaces valine 354 with isoleucine.
Molecular consequence: missense variant.
Genome position (GRCh38, 1-based): chr16:70,268,282, C>T on the plus strand (G>A on the coding strand, the complement: AARS1 is on the minus strand). VCF-style: chr16-70268282-C-T. GRCh37 (hg19) VCF-style: chr16-70302185-C-T.
Other names: short protein forms V354I.
Identifiers: ClinVar variation 387727 (VCV000387727.10), dbSNP rs762395098, ClinGen allele CA8140941.